The following is an entry in ClinVar:

NM_003036.4(SKI):c.1564C>T (p.Pro522Ser)

Gene: SKI (SKI proto-oncogene; plus strand). Cytogenetic location: 1p36.32.
Variant type: single nucleotide variant.
Coding change: c.1564C>T on transcript NM_003036.4 (MANE Select); coding-DNA position 1564, C replaced by T.
Protein change: p.Pro522Ser; replaces proline 522 with serine.
Molecular consequence: missense variant.
Genome position (GRCh38, 1-based): chr1:2,304,382, C>T. VCF-style: chr1-2304382-C-T. GRCh37 (hg19) VCF-style: chr1-2235821-C-T.
Other names: short protein forms P522S.
Identifiers: ClinVar variation 843652 (VCV000843652.9), dbSNP rs774937962, ClinGen allele CA337957260.

ClinVar aggregate classification (germline): Uncertain significance (1 of 4 stars; one submission).

Conditions:
Shprintzen-Goldberg syndrome (SGS). Also called: Marfanoid disorder with craniosynostosis type 1; Marfanoid craniosynostosis syndrome; Shprintzen-Goldberg marfanoid syndrome; SHPRINTZEN-GOLDBERG CRANIOSYNOSTOSIS SYNDROME; CRANIOSYNOSTOSIS WITH ARACHNODACTYLY AND ABDOMINAL HERNIAS. Identifiers: Orphanet 2462, MedGen C1321551, MONDO:0008426, OMIM 182212.

gnomAD v4.1: 1 of 1,551,922 alleles (0.000064%); highest among the groups gnomAD compares: Non-Finnish European, 0.000087%; no homozygotes.

Submission:

Labcorp Genetics (formerly Invitae), Labcorp
Classification: Uncertain significance for Shprintzen-Goldberg syndrome. Last evaluated: 2019-12-27. Review status: criteria provided, single submitter. Criteria: Invitae Variant Classification Sherloc (09022015). Collection method: clinical testing. Allele origin: germline.
Comment: This variant has not been reported in the literature in individuals with SKI-related conditions. This variant is not present in population databases (ExAC no frequency). This sequence change replaces proline with serine at codon 522 of the SKI protein (p.Pro522Ser). The proline residue is weakly conserved and there is a moderate physicochemical difference between proline and serine. Algorithms developed to predict the effect of missense changes on protein structure and function (SIFT, PolyPhen-2, Align-GVGD) all suggest that this variant is likely to be tolerated, but these predictions have not been confirmed by published functional studies and their clinical significance is uncertain. In summary, the available evidence is currently insufficient to determine the role of this variant in disease. Therefore, it has been classified as a Variant of Uncertain Significance.